The following is an entry in ClinVar:

NM_001437.3(ESR2):c.1508G>A (p.Cys503Tyr)

Gene: ESR2 (estrogen receptor 2; minus strand). Cytogenetic location: 14q23.2.
Variant type: single nucleotide variant.
Coding change: c.1508G>A on transcript NM_001437.3 (MANE Select); coding-DNA position 1508, G replaced by A.
Protein change: p.Cys503Tyr; replaces cysteine 503 with tyrosine.
Molecular consequence: missense variant. On other transcripts: non-coding transcript variant (1), intron variant (5).
Genome position (GRCh38, 1-based): chr14:64,233,222, C>T on the plus strand (G>A on the coding strand, the complement: ESR2 is on the minus strand). VCF-style: chr14-64233222-C-T. GRCh37 (hg19) VCF-style: chr14-64699940-C-T.
Other names: c.1235G>A, p.Cys412Tyr (NM_001271877.1); c.1406+1748G>A (NM_001291712.2, NM_001291723.1, NM_001040275.1 and 2 more transcripts); short protein forms C503Y, C412Y.
Identifiers: ClinVar variation 2517648 (VCV002517648.3), dbSNP rs188329310, ClinGen allele CA7225150.

ClinVar aggregate classification (germline): Conflicting classifications of pathogenicity. Review status: criteria provided, conflicting classifications (1 of 4 stars). 2 submissions from 2 submitters: Uncertain significance (1); Likely benign (1). Last evaluated 2025-10-14.

Allele frequency attached by ClinVar (database versions not stated): TOPMed 0.00010; ExAC 0.00014; gnomAD 0.00016; 1000 Genomes Project 0.00040; 1000 Genomes Project 30x 0.00047.
gnomAD v4.1: 157 of 1,614,230 alleles (0.0097%); highest among the groups gnomAD compares: East Asian, 0.1%; 2 homozygotes.

Submissions (2):

Labcorp Genetics (formerly Invitae), Labcorp
Classification: Uncertain significance. Last evaluated: 2025-10-14. Review status: criteria provided, single submitter. Criteria: Invitae Variant Classification Sherloc (09022015). Collection method: clinical testing. Allele origin: germline.
Comment: This sequence change replaces cysteine, which is neutral and slightly polar, with tyrosine, which is neutral and polar, at codon 503 of the ESR2 protein (p.Cys503Tyr). This variant is present in population databases (rs188329310, gnomAD 0.1%), and has an allele count higher than expected for a pathogenic variant. This variant has not been reported in the literature in individuals affected with ESR2-related conditions. ClinVar contains an entry for this variant (Variation ID: 2517648). An algorithm developed to predict the effect of missense changes on protein structure and function outputs the following: PolyPhen-2: "Benign". The tyrosine amino acid residue is found in multiple mammalian species, which suggests that this missense change does not adversely affect protein function. In summary, the available evidence is currently insufficient to determine the role of this variant in disease. Therefore, it has been classified as a Variant of Uncertain Significance.

Ambry Genetics
Classification: Likely benign. Last evaluated: 2023-06-02. Review status: criteria provided, single submitter. Criteria: Ambry Variant Classification Scheme 2023. Collection method: clinical testing. Allele origin: germline.